The following is an entry in ClinVar:

NM_001009944.3(PKD1):c.2055G>T (p.Glu685Asp)

Gene: PKD1 (polycystin 1, transient receptor potential channel interacting; minus strand). Cytogenetic location: 16p13.3.
Variant type: single nucleotide variant.
Coding change: c.2055G>T on transcript NM_001009944.3 (MANE Select); coding-DNA position 2055, G replaced by T.
Protein change: p.Glu685Asp; replaces glutamic acid 685 with aspartic acid.
Molecular consequence: missense variant.
Genome position (GRCh38, 1-based): chr16:2,115,420, C>A on the plus strand (G>T on the coding strand, the complement: PKD1 is on the minus strand). VCF-style: chr16-2115420-C-A. GRCh37 (hg19) VCF-style: chr16-2165421-C-A.
Other names: c.2055G>T, p.Glu685Asp (NM_000296.4); short protein forms E685D.
Identifiers: ClinVar variation 3781233 (VCV003781233.1).

ClinVar aggregate classification (germline): Uncertain significance (1 of 4 stars; one submission).

Submission:

GeneDx
Classification: Uncertain significance. Last evaluated: 2024-10-21. Review status: criteria provided, single submitter. Criteria: GeneDx Variant Classification Process June 2021. Collection method: clinical testing. Allele origin: germline. Affected: yes.
Comment: Not observed at significant frequency in large population cohorts (gnomAD); In silico analysis indicates that this missense variant does not alter protein structure/function; Has not been previously published as pathogenic or benign to our knowledge